The following is an entry in ClinVar:

NM_000878.5(IL2RB):c.1438C>A (p.Pro480Thr)

Gene: IL2RB (interleukin 2 receptor subunit beta; minus strand). Cytogenetic location: 22q12.3.
Variant type: single nucleotide variant.
Coding change: c.1438C>A on transcript NM_000878.5 (MANE Select); coding-DNA position 1438, C replaced by A.
Protein change: p.Pro480Thr; replaces proline 480 with threonine.
Molecular consequence: missense variant.
Genome position (GRCh38, 1-based): chr22:37,128,314, G>T on the plus strand (C>A on the coding strand, the complement: IL2RB is on the minus strand). VCF-style: chr22-37128314-G-T. GRCh37 (hg19) VCF-style: chr22-37524354-G-T.
Other names: c.1438C>A, p.Pro480Thr (NM_001346222.1, NM_001346223.2); short protein forms P480T.
Identifiers: ClinVar variation 2130283 (VCV002130283.3), dbSNP rs754597674, ClinGen allele CA10216324.
Genomic context (GRCh38, chr22:37,128,314, plus strand): 5'-CCTCCTCCCCAGCCTCTCGCAGCACCAGCTCAGGGGGTGGCTGAAAATCCACCAGGTCTG[G>T]GACTCCTGGGGTGGGAGGCCCCAGGGGCTGGGGGTCCCAGTCTCTGGGGACTCTTTCTTG-3'
Protein context (NP_000869.1, residues 470-490): QPLGPPTPGV[Pro480Thr]DLVDFQPPPE

ClinVar aggregate classification (germline): Uncertain significance (1 of 4 stars; one submission).

Allele frequency attached by ClinVar (database versions not stated): TOPMed below 0.00001; gnomAD exomes 0.00001; ExAC 0.00002.
gnomAD v4.1: 8 of 1,502,644 alleles (0.00053%); highest among the groups gnomAD compares: Non-Finnish European, 0.00071%; no homozygotes.

Submission:

Labcorp Genetics (formerly Invitae), Labcorp
Classification: Uncertain significance. Last evaluated: 2024-05-06. Review status: criteria provided, single submitter. Criteria: Invitae Variant Classification Sherloc (09022015). Collection method: clinical testing. Allele origin: germline.
Comment: This sequence change replaces proline, which is neutral and non-polar, with threonine, which is neutral and polar, at codon 480 of the IL2RB protein (p.Pro480Thr). This variant is present in population databases (rs754597674, gnomAD 0.002%). This variant has not been reported in the literature in individuals affected with IL2RB-related conditions. ClinVar contains an entry for this variant (Variation ID: 2130283). Algorithms developed to predict the effect of missense changes on protein structure and function output the following: SIFT: "Not Available"; PolyPhen-2: "Possibly Damaging"; Align-GVGD: "Not Available". The threonine amino acid residue is found in multiple mammalian species, which suggests that this missense change does not adversely affect protein function. In summary, the available evidence is currently insufficient to determine the role of this variant in disease. Therefore, it has been classified as a Variant of Uncertain Significance.